The following is an entry in ClinVar:

ClinVar aggregate classification (germline): Uncertain significance. Review status: criteria provided, multiple submitters, no conflicts (2 of 4 stars). 2 submissions from 2 submitters: Uncertain significance (2). Last evaluated 2023-02-22.

Conditions:
Disseminated atypical mycobacterial infection. Identifiers: MedGen C0694566.

Allele frequency attached by ClinVar (database versions not stated): ExAC 0.00001; gnomAD exomes 0.00002 and 0.00003; TOPMed 0.00002.
gnomAD v4.1: 10 of 1,614,136 alleles (0.00062%); highest among the groups gnomAD compares: Admixed American, 0.017%; no homozygotes.

Submissions (2):

Labcorp Genetics (formerly Invitae), Labcorp
Classification: Uncertain significance for Disseminated atypical mycobacterial infection. Last evaluated: 2023-02-22. Review status: criteria provided, single submitter. Criteria: Invitae Variant Classification Sherloc (09022015). Collection method: clinical testing. Allele origin: germline.
Comment: This sequence change replaces isoleucine, which is neutral and non-polar, with lysine, which is basic and polar, at codon 446 of the IFNGR1 protein (p.Ile446Lys). This variant is present in population databases (rs761131348, gnomAD 0.02%). This variant has not been reported in the literature in individuals affected with IFNGR1-related conditions. ClinVar contains an entry for this variant (Variation ID: 1428652). Advanced modeling of protein sequence and biophysical properties (such as structural, functional, and spatial information, amino acid conservation, physicochemical variation, residue mobility, and thermodynamic stability) performed at Invitae indicates that this missense variant is not expected to disrupt IFNGR1 protein function. In summary, the available evidence is currently insufficient to determine the role of this variant in disease. Therefore, it has been classified as a Variant of Uncertain Significance.

Blueprint Genetics
Classification: Uncertain significance. Last evaluated: 2022-12-01. Review status: criteria provided, single submitter. Criteria: ACMG Guidelines, 2015. Collection method: clinical testing. Allele origin: germline.

NM_000416.3(IFNGR1):c.1337T>A (p.Ile446Lys)

Gene: IFNGR1 (interferon gamma receptor 1; minus strand). Cytogenetic location: 6q23.3.
Variant type: single nucleotide variant.
Coding change: c.1337T>A on transcript NM_000416.3 (MANE Select); coding-DNA position 1337, T replaced by A.
Protein change: p.Ile446Lys; replaces isoleucine 446 with lysine.
Molecular consequence: missense variant.
Genome position (GRCh38, 1-based): chr6:137,198,164, A>T on the plus strand (T>A on the coding strand, the complement: IFNGR1 is on the minus strand). VCF-style: chr6-137198164-A-T. GRCh37 (hg19) VCF-style: chr6-137519301-A-T.
Other names: c.1307T>A, p.Ile436Lys (NM_001363526.1); c.1214T>A, p.Ile405Lys (NM_001363527.1); short protein forms I405K, I436K, I446K.
Identifiers: ClinVar variation 1428652 (VCV001428652.7), dbSNP rs761131348, ClinGen allele CA4018769.